The following is an entry in ClinVar:

ClinVar aggregate classification (germline): Pathogenic/Likely pathogenic. Review status: criteria provided, multiple submitters, no conflicts (2 of 4 stars). 8 submissions from 8 submitters: Pathogenic (6); Likely pathogenic (1). 1 of the submissions does not count toward it. Last evaluated 2025-09-23.

Conditions:
LAMB3-related disorder. Also called: LAMB3-related condition.
Amelogenesis imperfecta type 1A. Also called: Amelogenesis imperfecta, hypoplastic type; AMELOGENESIS IMPERFECTA, HYPOPLASTIC TYPE IA; Amelogenesis imperfecta, type IA; Amelogenesis imperfecta local hypoplastic. Identifiers: Orphanet 88661, MedGen C4011403, MONDO:0007094, OMIM 104530.
Junctional epidermolysis bullosa, non-Herlitz type. Also called: Epidermolysis bullosa, junctional, non-herlitz type, somatic mosaic revertant; EPIDERMOLYSIS BULLOSA JUNCTIONALIS, DISENTIS TYPE; EPIDERMOLYSIS BULLOSA JUNCTIONALIS, NON-HERLITZ TYPE; EPIDERMOLYSIS BULLOSA JUNCTIONALIS, PROGRESSIVE; EPIDERMOLYSIS BULLOSA JUNCTIONALIS, SEVERE NONLETHAL; COL17A1-Related Junctional Epidermolysis Bullosa. Identifiers: Orphanet 251393, Orphanet 79402, Orphanet 79405, Orphanet 89840, MedGen C0268374, MONDO:0009180, OMIM 226650.
Junctional epidermolysis bullosa gravis of Herlitz. Also called: EPIDERMOLYSIS BULLOSA JUNCTIONALIS, HERLITZ TYPE; EPIDERMOLYSIS BULLOSA, JUNCTIONAL, HERLITZ-PEARSON TYPE; JEB-HERLITZ TYPE; Epidermolysis Bullosa Letalis; EPIDERMOLYSIS BULLOSA, JUNCTIONAL 1B, SEVERE; Herlitz-type junctional epidermolysis bullosa. Identifiers: Orphanet 79404, MedGen C0079683, MONDO:0009182, OMIM 226700.

Allele frequency attached by ClinVar (database versions not stated): gnomAD exomes 0.00001 and 0.00002; ExAC 0.00002; TOPMed 0.00002; gnomAD 0.00003 and 0.00004.

Submissions (8):

PreventionGenetics, part of Exact Sciences
Classification: Pathogenic for LAMB3-related condition. Last evaluated: 2025-09-23. Review status: criteria provided, single submitter. Criteria: ACMG Guidelines, 2015. Collection method: clinical testing. Allele origin: germline.
Comment: The LAMB3 c.1365_1366delCA variant is predicted to result in a frameshift and premature protein termination (p.Asn456Argfs*7). This variant has been reported in the compound heterozygous state in patients with junctional epidermolysis bullosa (Family 17, Nakano et al. 2000. PubMed ID: 11023379; Patient 1, Tolar et al. 2012. PubMed ID: 22931927) and generalized atrophic benign epidermolysis bullosa (reported as 1367delAC, Pulkkinen et al. 1998. PubMed ID: 9690563). This variant is reported in 0.0047% of alleles in individuals of European (Non-Finnish) descent in gnomAD. Frameshift variants in LAMB3 are expected to be pathogenic. This variant is interpreted as pathogenic.

Fulgent Genetics
Classification: Likely pathogenic for Amelogenesis imperfecta type 1A; Junctional epidermolysis bullosa, non-Herlitz type; Junctional epidermolysis bullosa gravis of Herlitz. Last evaluated: 2024-04-25. Review status: criteria provided, single submitter. Criteria: ACMG Guidelines, 2015. Collection method: clinical testing. Allele origin: germline.

Labcorp Genetics (formerly Invitae), Labcorp
Classification: Pathogenic. Last evaluated: 2024-03-02. Review status: criteria provided, single submitter. Criteria: Invitae Variant Classification Sherloc (09022015). Collection method: clinical testing. Allele origin: germline.
Comment: This sequence change creates a premature translational stop signal (p.Asn456Argfs*7) in the LAMB3 gene. It is expected to result in an absent or disrupted protein product. Loss-of-function variants in LAMB3 are known to be pathogenic (PMID: 11023379, 16473856). This variant is present in population databases (rs769967565, gnomAD 0.006%). This premature translational stop signal has been observed in individual(s) with autosomal recessive junctional epidermolysis bullosa (PMID: 11023379, 22931927). In at least one individual the data is consistent with being in trans (on the opposite chromosome) from a pathogenic variant. ClinVar contains an entry for this variant (Variation ID: 189004). For these reasons, this variant has been classified as Pathogenic.

GeneDx
Classification: Pathogenic. Last evaluated: 2024-01-30. Review status: criteria provided, single submitter. Criteria: GeneDx Variant Classification Process June 2021. Collection method: clinical testing. Allele origin: germline. Affected: yes.
Comment: Frameshift variant predicted to result in protein truncation or nonsense mediated decay in a gene for which loss-of-function is a known mechanism of disease; Not observed at a significant frequency in large population cohorts (gnomAD); This variant is associated with the following publications: (PMID: 9690563, 22931927, 11023379)

Revvity Omics, Revvity
Classification: Pathogenic. Last evaluated: 2021-11-18. Review status: criteria provided, single submitter. Criteria: ACMG Guidelines, 2015. Collection method: clinical testing. Allele origin: germline.

CENTOGENE GmbH and LLC - Guiding Precision Medicine
Classification: Pathogenic for Junctional epidermolysis bullosa gravis of Herlitz. Last evaluated: 2021-04-28. Review status: criteria provided, single submitter. Criteria: ACMG Guidelines, 2015. Collection method: clinical testing. Allele origin: paternal. Affected: yes.

Women's Health and Genetics/Laboratory Corporation of America, LabCorp
Classification: Pathogenic for Junctional epidermolysis bullosa, non-Herlitz type. Last evaluated: 2016-12-30. Review status: criteria provided, single submitter. Criteria: LabCorp Variant Classification Summary - May 2015. Collection method: clinical testing. Allele origin: germline.
Comment: Variant summary: The LAMB3 c.1365_1366delCA (p.Asn456Argfs) variant results in a premature termination codon, predicted to cause a truncated or absent LAMB3 protein due to nonsense mediated decay, which are commonly known mechanisms for disease. The variant of interest was observed in controls with an allele frequency of 2/120648 (1/60324), which does not exceed the estimated maximal expected allele frequency for a pathogenic LAMB3 variant of 1/1517. Multiple publications have reported the variant in affected individuals as compound heterozygotes. In addition, a clinical diagnostic laboratory cites the variant as "likely pathogenic." Therefore, the variant of interest has been classified as "Pathogenic."

Counsyl
Classification: Likely pathogenic for Junctional epidermolysis bullosa gravis of Herlitz. Last evaluated: 2014-10-09. Review status: no assertion criteria provided. Collection method: literature only. Allele origin: unknown. Inheritance: Autosomal recessive inheritance. Not counted in ClinVar's aggregate classification.

Literature cited by the submitters: PubMed 11023379 (cited by 3 submitters); PubMed 16473856 (cited by Labcorp Genetics (formerly Invitae), Labcorp and Counsyl); PubMed 22931927 (cited by 3 submitters); PubMed 9690563 (cited by Counsyl).

NM_000228.3(LAMB3):c.1365_1366del (p.Asn456fs)

Gene: LAMB3 (laminin subunit beta 3; minus strand). Cytogenetic location: 1q32.2.
Variant type: Deletion.
Coding change: c.1365_1366del on transcript NM_000228.3 (MANE Select); coding-DNA positions 1365 to 1366, 2 bases deleted (CA; older notation c.1365_1366delCA).
Protein change: p.Asn456fs; shifts the reading frame from asparagine 456.
Molecular consequence: frameshift variant.
Genome position (GRCh38, 1-based): chr1:209,627,502-209,627,503, TG deleted on the plus strand (CA on the coding strand, the reverse complement: LAMB3 is on the minus strand). VCF-style (leftmost placement, unchanged base first): chr1-209627501-TTG-T. GRCh37 (hg19) VCF-style: chr1-209800846-TTG-T.
Other names: c.1365_1366del (NM_000228.2); c.1365_1366del, p.Asn456fs (NM_001017402.2, NM_001127641.1); short protein forms N456fs.
Identifiers: ClinVar variation 189004 (VCV000189004.16), dbSNP rs769967565, ClinGen allele CA274239.